The following is an entry in ClinVar:

ClinVar aggregate classification (germline): Benign. Review status: criteria provided, multiple submitters, no conflicts (2 of 4 stars). 20 submissions from 13 submitters: Benign (19). 1 of the submissions does not count toward it. Last evaluated 2026-02-04.

Conditions:
Dilated cardiomyopathy 1G (CMD1G). Identifiers: Orphanet 154, MedGen C1858763, MONDO:0011400, OMIM 604145.
Autosomal recessive limb-girdle muscular dystrophy type 2J (LGMDR10). Also called: MUSCULAR DYSTROPHY, LIMB-GIRDLE, AUTOSOMAL RECESSIVE 10; Limb-girdle muscular dystrophy, type 2J. Identifiers: Orphanet 140922, MedGen C1837342, MONDO:0012127, OMIM 608807.
Cardiovascular phenotype. Identifiers: MedGen CN230736.
Early-onset myopathy with fatal cardiomyopathy (CMYO5). Also called: CONGENITAL MYOPATHY 5 WITH CARDIOMYOPATHY; Salih Myopathy. Identifiers: Orphanet 289377, MedGen C2673677, MONDO:0012714, OMIM 611705. Disease mechanism: loss of function.
Myopathy, myofibrillar, 9, with early respiratory failure (MFM9). Also called: Myopathy, distal, with early respiratory failure, autosomal dominant; Hereditary myopathy with early respiratory failure; MYOPATHY, PROXIMAL, WITH EARLY RESPIRATORY MUSCLE INVOLVEMENT; EDSTROM MYOPATHY. Identifiers: Orphanet 178464, Orphanet 34521, MedGen C1863599, MONDO:0011362, OMIM 603689.
Tibial muscular dystrophy (TMD). Also called: Udd Distal Myopathy – Tibial Muscular Dystrophy; Tibial muscular dystrophy, tardive; UDD MYOPATHY. Identifiers: Orphanet 609, MedGen C1838244, MONDO:0010870, OMIM 600334.

Allele frequency attached by ClinVar (database versions not stated): 1000 Genomes Project 30x 0.15553; TOPMed 0.12864; 1000 Genomes Project 0.15236; ESP Exome Variant Server 0.10396.
gnomAD v4.1: 98,485 of 1,613,714 alleles (6.1%); highest among the groups gnomAD compares: African/African-American, 26%; 6,580 homozygotes.

Submissions (20):

Labcorp Genetics (formerly Invitae), Labcorp
Classification: Benign for Dilated cardiomyopathy 1G; Autosomal recessive limb-girdle muscular dystrophy type 2J. Last evaluated: 2026-02-04. Review status: criteria provided, single submitter. Criteria: Invitae Variant Classification Sherloc (09022015). Collection method: clinical testing. Allele origin: germline.

Molecular Diagnostic Laboratory for Inherited Cardiovascular Disease, Montreal Heart Institute
Classification: Benign. Last evaluated: 2025-04-09. Review status: criteria provided, single submitter. Criteria: ACMG Guidelines, 2015. Collection method: clinical testing. Allele origin: germline. Affected: no.

Genome-Nilou Lab
Classification: Benign for Autosomal recessive limb-girdle muscular dystrophy type 2J. Last evaluated: 2021-09-10. Review status: criteria provided, single submitter. Criteria: ACMG Guidelines, 2015. Collection method: clinical testing. Allele origin: germline. Affected: no.

Genome-Nilou Lab
Classification: Benign for Myopathy, myofibrillar, 9, with early respiratory failure. Last evaluated: 2021-09-10. Review status: criteria provided, single submitter. Criteria: ACMG Guidelines, 2015. Collection method: clinical testing. Allele origin: germline. Affected: no.

Genome-Nilou Lab
Classification: Benign for Early-onset myopathy with fatal cardiomyopathy. Last evaluated: 2021-09-10. Review status: criteria provided, single submitter. Criteria: ACMG Guidelines, 2015. Collection method: clinical testing. Allele origin: germline. Affected: no.

Genome-Nilou Lab
Classification: Benign for Tibial muscular dystrophy. Last evaluated: 2021-09-10. Review status: criteria provided, single submitter. Criteria: ACMG Guidelines, 2015. Collection method: clinical testing. Allele origin: germline. Affected: no.

Women's Health and Genetics/Laboratory Corporation of America, LabCorp
Classification: Benign. Last evaluated: 2019-08-19. Review status: criteria provided, single submitter. Criteria: LabCorp Variant Classification Summary - May 2015. Collection method: clinical testing. Allele origin: germline.

Illumina Laboratory Services, Illumina
Classification: Benign for Dilated cardiomyopathy 1G. Last evaluated: 2018-01-12. Review status: criteria provided, single submitter. Criteria: ICSL Variant Classification Criteria 13 December 2019. Collection method: clinical testing. Allele origin: germline.
Comment: This variant was observed in the ICSL laboratory as part of a predisposition screen in an ostensibly healthy population. It had not been previously curated by ICSL or reported in the Human Gene Mutation Database (HGMD: prior to June 1st, 2018), and was therefore a candidate for classification through an automated scoring system. Utilizing variant allele frequency, disease prevalence and penetrance estimates, and inheritance mode, an automated score was calculated to assess if this variant is too frequent to cause the disease. Based on the score and internal cut-off values, a variant classified as benign is not then subjected to further curation. The score for this variant resulted in a classification of benign for this disease.

Illumina Laboratory Services, Illumina
Classification: Benign for Early-onset myopathy with fatal cardiomyopathy. Last evaluated: 2018-01-12. Review status: criteria provided, single submitter. Criteria: ICSL Variant Classification Criteria 13 December 2019. Collection method: clinical testing. Allele origin: germline.
Comment: the same text as in the submission from Illumina Laboratory Services, Illumina above.

Illumina Laboratory Services, Illumina
Classification: Benign for Autosomal recessive limb-girdle muscular dystrophy type 2J. Last evaluated: 2018-01-12. Review status: criteria provided, single submitter. Criteria: ICSL Variant Classification Criteria 13 December 2019. Collection method: clinical testing. Allele origin: germline.
Comment: the same text as in the submission from Illumina Laboratory Services, Illumina above.

Illumina Laboratory Services, Illumina
Classification: Benign for Tibial muscular dystrophy. Last evaluated: 2018-01-12. Review status: criteria provided, single submitter. Criteria: ICSL Variant Classification Criteria 13 December 2019. Collection method: clinical testing. Allele origin: germline.
Comment: the same text as in the submission from Illumina Laboratory Services, Illumina above.

Illumina Laboratory Services, Illumina
Classification: Benign for Myopathy, myofibrillar, 9, with early respiratory failure. Last evaluated: 2018-01-12. Review status: criteria provided, single submitter. Criteria: ICSL Variant Classification Criteria 13 December 2019. Collection method: clinical testing. Allele origin: germline.
Comment: the same text as in the submission from Illumina Laboratory Services, Illumina above.

Mayo Clinic Laboratories, Mayo Clinic
Classification: Benign. Last evaluated: 2017-08-24. Review status: criteria provided, single submitter. Criteria: ACMG Guidelines, 2015. Collection method: clinical testing. Allele origin: germline. Observed: 348 variant alleles.

Eurofins Ntd Llc (ga)
Classification: Benign. Last evaluated: 2014-05-21. Review status: criteria provided, single submitter. Criteria: EGL Classification Definitions 2015. Collection method: clinical testing. Allele origin: germline. Observed: 1 variant allele, 1 homozygote.

Ambry Genetics
Classification: Benign for Cardiovascular phenotype. Last evaluated: 2013-01-16. Review status: criteria provided, single submitter. Criteria: Ambry Autosomal Dominant and X-Linked criteria (10/2015). Collection method: clinical testing. Allele origin: germline. Observed: 1 variant allele.

GeneDx
Classification: Benign. Last evaluated: 2012-10-26. Review status: criteria provided, single submitter. Criteria: GeneDx Variant Classification (06012015). Collection method: clinical testing. Allele origin: germline. Affected: yes.
Comment: This variant is considered likely benign or benign based on one or more of the following criteria: it is a conservative change, it occurs at a poorly conserved position in the protein, it is predicted to be benign by multiple in silico algorithms, and/or has population frequency not consistent with disease.

Laboratory for Molecular Medicine, Mass General Brigham Personalized Medicine
Classification: Benign. Last evaluated: 2011-09-27. Review status: criteria provided, single submitter. Criteria: LMM Criteria. Collection method: clinical testing. Allele origin: germline. Observed: 296 variant alleles.

Breakthrough Genomics
Classification: Benign. Review status: criteria provided, single submitter. Criteria: ACMG Guidelines, 2015. Collection method: not provided. Allele origin: germline. Inheritance: Autosomal recessive inheritance. Affected: yes.

PreventionGenetics, part of Exact Sciences
Classification: Benign. Review status: criteria provided, single submitter. Criteria: ACMG Guidelines, 2015. Collection method: clinical testing. Allele origin: germline.

Genetic Services Laboratory, University of Chicago
Classification: Likely benign for AllHighlyPenetrant. Review status: no assertion criteria provided. Collection method: clinical testing. Allele origin: germline. Not counted in ClinVar's aggregate classification.
Comment: Likely benign based on allele frequency in 1000 Genomes Project or ESP global frequency and its presence in a patient with a rare or unrelated disease phenotype. NOT Sanger confirmed.

NM_001267550.2(TTN):c.91071T>G (p.Thr30357=)

Genes: TTN (titin; minus strand), TTN-AS1 (TTN antisense RNA 1; plus strand). Cytogenetic location: 2q31.2.
Variant type: single nucleotide variant.
Coding change: c.91071T>G on transcript NM_001267550.2 (MANE Select); coding-DNA position 91071, T replaced by G.
Protein change: p.Thr30357=; no amino-acid change (threonine 30357 retained).
Molecular consequence: synonymous variant.
Genome position (GRCh38, 1-based): chr2:178,551,829, A>C on the plus strand (T>G on the coding strand, the complement: TTN is on the minus strand). VCF-style: chr2-178551829-A-C. GRCh37 (hg19) VCF-style: chr2-179416556-A-C.
Other names: p.T27789T:ACT>ACG; p.Thr27789=; c.86148T>G, p.Thr28716= (NM_001256850.1); c.63876T>G, p.Thr21292= (NM_003319.4); c.83367T>G, p.Thr27789= (NM_133378.4); c.64251T>G, p.Thr21417= (NM_133432.3); c.64452T>G, p.Thr21484= (NM_133437.4).
Identifiers: ClinVar variation 47504 (VCV000047504.33), dbSNP rs11897366, ClinGen allele CA284020.